The following is an entry in ClinVar:

NM_016302.4(CRBN):c.696T>C (p.Phe232=)

Gene: CRBN (cereblon; minus strand). Cytogenetic location: 3p26.2.
Variant type: single nucleotide variant.
Coding change: c.696T>C on transcript NM_016302.4 (MANE Select); coding-DNA position 696, T replaced by C.
Protein change: p.Phe232=; no amino-acid change (phenylalanine 232 retained).
Molecular consequence: synonymous variant.
Genome position (GRCh38, 1-based): chr3:3,156,273, A>G on the plus strand (T>C on the coding strand, the complement: CRBN is on the minus strand). VCF-style: chr3-3156273-A-G. GRCh37 (hg19) VCF-style: chr3-3197957-A-G.
Other names: c.693T>C, p.Phe231= (NM_001173482.1).
Identifiers: ClinVar variation 4871968 (VCV004871968.2).

ClinVar aggregate classification (germline): Likely benign (1 of 4 stars; one submission).

gnomAD v4.1: 1 of 1,614,040 alleles (0.000062%); highest among the groups gnomAD compares: Non-Finnish European, 0.000085%; no homozygotes.

Submission:

CeGaT Center for Human Genetics Tuebingen
Classification: Likely benign. Last evaluated: 2026-02-01. Review status: criteria provided, single submitter. Criteria: CeGaT Center For Human Genetics Tuebingen Variant Classification Criteria Version 2. Collection method: clinical testing. Allele origin: germline. Affected: yes. Observed: 1 variant allele.
Comment: CRBN: BP4, BP7